The following is an entry in ClinVar:

NM_003590.5(CUL3):c.*124C>T

Gene: CUL3 (cullin 3; minus strand). Cytogenetic location: 2q36.2.
Variant type: single nucleotide variant.
Coding change: c.*124C>T on transcript NM_003590.5 (MANE Select); 124 bases downstream of the stop codon, C replaced by T.
Molecular consequence: 3 prime UTR variant.
Genome position (GRCh38, 1-based): chr2:224,474,121, G>A on the plus strand (C>T on the coding strand, the complement: CUL3 is on the minus strand). VCF-style: chr2-224474121-G-A. GRCh37 (hg19) VCF-style: chr2-225338838-G-A.
Other names: c.*124C>T (NM_001257197.2, NM_001257198.2).
Identifiers: ClinVar variation 897116 (VCV000897116.4), dbSNP rs186807043, ClinGen allele CA15170810.

ClinVar aggregate classification (germline): Benign (1 of 4 stars; one submission).

Conditions:
Pseudohypoaldosteronism type 2E (PHA2E). Also called: Pseudohypoaldosteronism Type IIE. Identifiers: Orphanet 300530, Orphanet 757, MedGen C3469606, MONDO:0013782, OMIM 614496.

Allele frequency attached by ClinVar (database versions not stated): TOPMed 0.00112; 1000 Genomes Project 0.00120; 1000 Genomes Project 30x 0.00141; gnomAD 0.00090 and 0.00098.
gnomAD v4.1: 193 of 984,222 alleles (0.02%); highest among the groups gnomAD compares: African/African-American, 0.27%; no homozygotes.

Submission:

Illumina Laboratory Services, Illumina
Classification: Benign for Pseudohypoaldosteronism type 2E. Last evaluated: 2018-01-12. Review status: criteria provided, single submitter. Criteria: ICSL Variant Classification Criteria 13 December 2019. Collection method: clinical testing. Allele origin: germline.
Comment: This variant was observed in the ICSL laboratory as part of a predisposition screen in an ostensibly healthy population. It had not been previously curated by ICSL or reported in the Human Gene Mutation Database (HGMD: prior to June 1st, 2018), and was therefore a candidate for classification through an automated scoring system. Utilizing variant allele frequency, disease prevalence and penetrance estimates, and inheritance mode, an automated score was calculated to assess if this variant is too frequent to cause the disease. Based on the score and internal cut-off values, a variant classified as benign is not then subjected to further curation. The score for this variant resulted in a classification of benign for this disease.